The following is an entry in ClinVar:

ClinVar aggregate classification (germline): Uncertain significance. Review status: criteria provided, multiple submitters, no conflicts (2 of 4 stars). 4 submissions from 4 submitters: Uncertain significance (2). 2 of the submissions do not count toward it. Last evaluated 2025-11-18.

Allele frequency attached by ClinVar (database versions not stated): gnomAD exomes below 0.00001 and 0.00001; gnomAD 0.00001; TOPMed 0.00002.
gnomAD v4.1: 23 of 1,613,966 alleles (0.0014%); highest among the groups gnomAD compares: Admixed American, 0.0083%; no homozygotes.

Submissions (4):

Labcorp Genetics (formerly Invitae), Labcorp
Classification: Uncertain significance. Last evaluated: 2025-11-18. Review status: criteria provided, single submitter. Criteria: Invitae Variant Classification Sherloc (09022015). Collection method: clinical testing. Allele origin: germline.
Comment: This sequence change replaces tyrosine, which is neutral and polar, with histidine, which is basic and polar, at codon 1594 of the RP1 protein (p.Tyr1594His). This variant is present in population databases (no rsID available, gnomAD 0.003%). This missense change has been observed in individual(s) with autosomal dominant retinitis pigmentosa (PMID: 28157192). ClinVar contains an entry for this variant (Variation ID: 1284468). An algorithm developed to predict the effect of missense changes on protein structure and function (PolyPhen-2) suggests that this variant is likely to be disruptive. In summary, the available evidence is currently insufficient to determine the role of this variant in disease. Therefore, it has been classified as a Variant of Uncertain Significance.

Blueprint Genetics
Classification: Uncertain significance. Last evaluated: 2024-01-10. Review status: criteria provided, single submitter. Criteria: ACMG Guidelines, 2015. Collection method: clinical testing. Allele origin: germline.

Clinical Genetics DNA and cytogenetics Diagnostics Lab, Erasmus MC, Erasmus Medical Center
Classification: Uncertain significance. Review status: no assertion criteria provided. Collection method: clinical testing. Allele origin: germline. Affected: yes. Study: VKGL Data-share Consensus. Not counted in ClinVar's aggregate classification.

Clinical Genetics, Academic Medical Center
Classification: Uncertain significance. Review status: no assertion criteria provided. Collection method: clinical testing. Allele origin: germline. Affected: yes. Study: VKGL Data-share Consensus. Not counted in ClinVar's aggregate classification.

Literature cited by the submitters: PubMed 28157192 (cited by Labcorp Genetics (formerly Invitae), Labcorp).

NM_006269.2(RP1):c.4780T>C (p.Tyr1594His)

Gene: RP1 (RP1 axonemal microtubule associated; plus strand). Cytogenetic location: 8q12.1.
Variant type: single nucleotide variant.
Coding change: c.4780T>C on transcript NM_006269.2 (MANE Select); coding-DNA position 4780, T replaced by C.
Protein change: p.Tyr1594His; replaces tyrosine 1594 with histidine.
Molecular consequence: missense variant. On other transcripts: intron variant (1).
Genome position (GRCh38, 1-based): chr8:54,628,662, T>C. VCF-style: chr8-54628662-T-C. GRCh37 (hg19) VCF-style: chr8-55541222-T-C.
Other names: c.787+6374T>C (NM_001375654.1); short protein forms Y1594H.
Identifiers: ClinVar variation 1284468 (VCV001284468.10), dbSNP rs1020163542, ClinGen allele CA177182439.